The following is an entry in ClinVar:

ClinVar aggregate classification (germline): Pathogenic/Likely pathogenic. Review status: criteria provided, multiple submitters, no conflicts (2 of 4 stars). 9 submissions from 9 submitters: Pathogenic (7); Likely pathogenic (2). Last evaluated 2025-12-06.

Conditions:
Sialuria. Also called: SIALURIA, FRENCH TYPE; Sialic Acid Storage Disease. Identifiers: Orphanet 3166, MedGen C0342853, MONDO:0010028, OMIM 269921.
Thrombocytopenia 12 with or without myopathy (THC12). Identifiers: MedGen C5935593, MONDO:0958325, OMIM 620757.
GNE myopathy (NM). Also called: NONAKA DISTAL MYOPATHY; INCLUSION BODY MYOPATHY, HEREDITARY, AUTOSOMAL RECESSIVE; INCLUSION BODY MYOPATHY 2, AUTOSOMAL RECESSIVE; IBM 2; Inclusion body myopathy autosomal recessive; Inclusion body myopathy quadriceps sparing. Identifiers: Orphanet 602, MedGen C1853926, MONDO:0011603, OMIM 605820.

Allele frequency attached by ClinVar (database versions not stated): gnomAD exomes 0.00002; TOPMed below 0.00001; ExAC 0.00001.

Submissions (9):

Labcorp Genetics (formerly Invitae), Labcorp
Classification: Pathogenic for Sialuria; GNE myopathy. Last evaluated: 2025-12-06. Review status: criteria provided, single submitter. Criteria: Invitae Variant Classification Sherloc (09022015). Collection method: clinical testing. Allele origin: germline.
Comment: This sequence change replaces arginine, which is basic and polar, with cysteine, which is neutral and slightly polar, at codon 308 of the GNE protein (p.Arg308Cys). This variant is present in population databases (rs762106720, gnomAD 0.01%). This missense change has been observed in individuals with autosomal recessive distal myopathy (PMID: 18555875, 22507750, 24027297, 24695763, 29480215). It has also been observed to segregate with disease in related individuals. This variant is also known as p.Arg277Cys. ClinVar contains an entry for this variant (Variation ID: 188847). Invitae Evidence Modeling of protein sequence and biophysical properties (such as structural, functional, and spatial information, amino acid conservation, physicochemical variation, residue mobility, and thermodynamic stability) has been performed for this missense variant. However, the output from this modeling did not meet the statistical confidence thresholds required to predict the impact of this variant on GNE protein function. This variant disrupts the p.Arg308 amino acid residue in GNE. Other variant(s) that disrupt this residue have been observed in individuals with GNE-related conditions (PMID: 24027297), which suggests that this may be a clinically significant amino acid residue. For these reasons, this variant has been classified as Pathogenic.

Natera, Inc.
Classification: Pathogenic for Nonaka myopathy. Last evaluated: 2025-08-05. Review status: criteria provided, single submitter. Criteria: Natera Variant Classification Schema (03/2026). Collection method: clinical testing. Allele origin: germline.
Comment: The c.922C>T variant in GNE is a missense variant predicted to cause substitution of arginine to cysteine at amino acid 308. This variant is rare in the general population with a frequency below the threshold expected for the associated phenotype(s). This variant has been observed in one or more individuals affected with the associated recessive disease, as either homozygous or compound heterozygous with a second variant (PMID: 22231866, 24027297, 31561939). Additionally, this variant has been observed to segregate in affected family members (PMID: 24027297). Computational prediction algorithms indicate this variant is likely to affect gene or protein function. Given the available evidence, this variant is classified as Pathogenic.

Revvity Omics, Revvity
Classification: Pathogenic. Last evaluated: 2024-11-07. Review status: criteria provided, single submitter. Criteria: ACMG Guidelines, 2015. Collection method: clinical testing. Allele origin: germline.

Baylor Genetics
Classification: Pathogenic for GNE myopathy. Last evaluated: 2024-02-01. Review status: criteria provided, single submitter. Criteria: ACMG Guidelines, 2015. Collection method: clinical testing. Allele origin: unknown.

Women's Health and Genetics/Laboratory Corporation of America, LabCorp
Classification: Pathogenic for GNE myopathy. Last evaluated: 2023-08-10. Review status: criteria provided, single submitter. Criteria: LabCorp Variant Classification Summary - May 2015. Collection method: clinical testing. Allele origin: germline.
Comment: Variant summary: GNE c.922C>T (p.Arg308Cys) results in a non-conservative amino acid change located in the UDP-N-acetylglucosamine 2-epimerase domain (IPR003331) of the encoded protein sequence. Four of five in-silico tools predict a damaging effect of the variant on protein function. The variant allele was found at a frequency of 2e-05 in 251480 control chromosomes. c.922C>T has been reported in the literature as biallelic genotypes in multiple individuals affected with GNE/Inclusion Body Myopathy 2 (example, Mori-Yoshimura_2012, Cerino_2015). These data indicate that the variant is very likely to be associated with disease. The following publications have been ascertained in the context of this evaluation (PMID: 27858732, 24695763, 22507750, 22231866). Five submitters have cited clinical-significance assessments for this variant to ClinVar after 2014. All submitters classified the variant as pathogenic/likely pathogenic. Based on the evidence outlined above, the variant was classified as pathogenic.

Myriad Genetics, Inc.
Classification: Likely pathogenic for GNE myopathy. Last evaluated: 2021-11-03. Review status: criteria provided, single submitter. Criteria: Myriad Women's Health Autosomal Recessive and X-Linked Classification Criteria (2021). Collection method: clinical testing. Allele origin: unknown.
Comment: NM_001128227.2(GNE):c.922C>T(R308C) is a missense variant classified as likely pathogenic in the context of GNE myopathy. R308C has been observed in cases with relevant disease (PMID: 24027297, 24695763, 22231866, 27858732, 29997562, 29480215). Functional assessments of this variant are not available in the literature. R308C has been observed in population frequency databases (gnomAD: EAS 0.01%). NM_001128227.2(GNE):c.922C>T(R308C) is a missense variant that has been observed more frequently in cases with the relevant disease than in healthy populations. Please note: this variant was assessed in the context of healthy population screening.

Department of Pathology and Laboratory Medicine, Sinai Health System
Classification: Likely pathogenic for Sialuria; GNE myopathy; Thrombocytopenia 12 with or without myopathy. Last evaluated: 2021-07-30. Review status: criteria provided, single submitter. Criteria: ACMG Guidelines, 2015. Collection method: research. Allele origin: germline.

Eurofins Ntd Llc (ga)
Classification: Pathogenic. Last evaluated: 2016-12-16. Review status: criteria provided, single submitter. Criteria: EGL Classification Definitions 2015. Collection method: clinical testing. Allele origin: germline. Observed: 1 variant allele, 1 homozygote.

Neuberg Centre For Genomic Medicine, NCGM
Classification: Pathogenic for GNE myopathy. Review status: criteria provided, single submitter. Criteria: ACMG Guidelines, 2015. Collection method: clinical testing. Allele origin: germline. Inheritance: Autosomal dominant inheritance. Affected: yes.
Comment: The missense variant c.829C>Tp.Arg277Cys in GNE gene has been reported previously in homozygous and compoundheterozygous state in multiple individuals with GNE Myopathy Bugiardini E, et al., 2018, Chaouch A, et al., 2014. The variant has0.002% allele frequency in gnomAD Exomes and is novel not in any individuals in 1000 Genomes. This variant disrupts thep.Arg308 amino acid residue in GNE. Other variants that disrupt this residue have been observed in individuals with GNE-relatedconditions Cho A, et al., 2014. It has also been observed to segregate with disease in related individuals. This variant has beenreported to the ClinVar database as Pathogenic/Likely Pathogenic.The amino acid Arginine at position 277 is changed to aCysteine changing protein sequence and it might alter its composition and physico-chemical properties.The amino acid changep.Arg277Cys in GNE is predicted as conserved by GERP++ and PhyloP across 100 vertebrates. For these reasons, this variant hasbeen classified as Pathogenic.

Literature cited by the submitters: PubMed 18555875 (cited by Labcorp Genetics (formerly Invitae), Labcorp); PubMed 22507750 (cited by Labcorp Genetics (formerly Invitae), Labcorp and Women's Health and Genetics/Laboratory Corporation of America, LabCorp); PubMed 24027297 (cited by 3 submitters); PubMed 24695763 (cited by 3 submitters); PubMed 29480215 (cited by Labcorp Genetics (formerly Invitae), Labcorp and Myriad Genetics, Inc.); PubMed 22231866 (cited by 3 submitters); PubMed 31561939 (cited by Natera, Inc.); PubMed 27858732 (cited by Women's Health and Genetics/Laboratory Corporation of America, LabCorp and Myriad Genetics, Inc.); PubMed 29997562 (cited by Myriad Genetics, Inc.).

NM_005476.7(GNE):c.829C>T (p.Arg277Cys)

Gene: GNE (glucosamine (UDP-N-acetyl)-2-epimerase/N-acetylmannosamine kinase; minus strand). Cytogenetic location: 9p13.3.
Variant type: single nucleotide variant.
Coding change: c.829C>T on transcript NM_005476.7 (MANE Select); coding-DNA position 829, C replaced by T.
Protein change: p.Arg277Cys; replaces arginine 277 with cysteine.
Molecular consequence: missense variant.
Genome position (GRCh38, 1-based): chr9:36,234,073, G>A on the plus strand (C>T on the coding strand, the complement: GNE is on the minus strand). VCF-style: chr9-36234073-G-A. GRCh37 (hg19) VCF-style: chr9-36234070-G-A.
Other names: c.922C>T, p.Arg308Cys (NM_001128227.3); c.829C>T, p.Arg277Cys (NM_001190383.3); c.499C>T, p.Arg167Cys (NM_001190384.3); c.652C>T, p.Arg218Cys (NM_001190388.2, NM_001374798.1); c.676C>T, p.Arg226Cys (NM_001374797.1); short protein forms R277C, R308C, R167C, R226C, R218C.
Identifiers: ClinVar variation 188847 (VCV000188847.27), dbSNP rs762106720, ClinGen allele CA274033.